The following is an entry in ClinVar:

NM_005996.4(TBX3):c.725A>G (p.Lys242Arg)

Gene: TBX3 (T-box transcription factor 3; minus strand). Cytogenetic location: 12q24.21.
Variant type: single nucleotide variant.
Coding change: c.725A>G on transcript NM_005996.4 (MANE Select); coding-DNA position 725, A replaced by G.
Protein change: p.Lys242Arg; replaces lysine 242 with arginine.
Molecular consequence: missense variant.
Genome position (GRCh38, 1-based): chr12:114,679,584, T>C on the plus strand (A>G on the coding strand, the complement: TBX3 is on the minus strand). VCF-style: chr12-114679584-T-C. GRCh37 (hg19) VCF-style: chr12-115117389-T-C.
Other names: c.785A>G, p.Lys262Arg (NM_016569.4); short protein forms K242R, K262R.
Identifiers: ClinVar variation 3670773 (VCV003670773.2).

ClinVar aggregate classification (germline): Uncertain significance (1 of 4 stars; one submission).

Conditions:
Ulnar-mammary syndrome (UMS). Also called: SCHINZEL SYNDROME; Ulnar-mammary syndrome of Pallister; PALLISTER ULNAR-MAMMARY SYNDROME. Identifiers: Orphanet 3138, MedGen C1866994, MONDO:0008411, OMIM 181450.

Submission:

Labcorp Genetics (formerly Invitae), Labcorp
Classification: Uncertain significance for Ulnar-mammary syndrome. Last evaluated: 2024-03-25. Review status: criteria provided, single submitter. Criteria: Invitae Variant Classification Sherloc (09022015). Collection method: clinical testing. Allele origin: germline.
Comment: This sequence change replaces lysine, which is basic and polar, with arginine, which is basic and polar, at codon 242 of the TBX3 protein (p.Lys242Arg). This variant is not present in population databases (gnomAD no frequency). This variant has not been reported in the literature in individuals affected with TBX3-related conditions. An algorithm developed to predict the effect of missense changes on protein structure and function (PolyPhen-2) suggests that this variant is likely to be disruptive. In summary, the available evidence is currently insufficient to determine the role of this variant in disease. Therefore, it has been classified as a Variant of Uncertain Significance.